The following is an entry in ClinVar:

ClinVar aggregate classification (germline): Pathogenic (1 of 4 stars; one submission).

Conditions:
Mosaic variegated aneuploidy syndrome 1 (MVA1). Also called: Warburton-Anyane-Yeboa syndrome. Identifiers: Orphanet 1052, MedGen C1850343, MONDO:0009759, OMIM 257300.

Allele frequency attached by ClinVar (database versions not stated): gnomAD 0.00003; gnomAD exomes 0.00006; TOPMed 0.00006; ExAC 0.00011.
gnomAD v4.1: 91 of 1,613,200 alleles (0.0056%); highest among the groups gnomAD compares: African/African-American, 0.0093%; no homozygotes.

Submission:

Institute of Human Genetics, University of Leipzig Medical Center
Classification: Pathogenic for Mosaic variegated aneuploidy syndrome 1. Last evaluated: 2023-06-13. Review status: criteria provided, single submitter. Criteria: ACMG Guidelines, 2015. Collection method: clinical testing. Allele origin: unknown. Inheritance: Autosomal recessive inheritance. Affected: yes.
Comment: Criteria applied: PVS1,PM2_SUP, PP4

NM_001013836.2(MAD1L1):c.1396C>T (p.Gln466Ter)

Gene: MAD1L1 (mitotic arrest deficient 1 like 1; minus strand). Cytogenetic location: 7p22.3.
Variant type: single nucleotide variant.
Coding change: c.1396C>T on transcript NM_001013836.2 (MANE Select); coding-DNA position 1396, C replaced by T.
Protein change: p.Gln466Ter; replaces glutamine 466 with a stop codon.
Molecular consequence: nonsense.
Genome position (GRCh38, 1-based): chr7:2,002,085, G>A on the plus strand (C>T on the coding strand, the complement: MAD1L1 is on the minus strand). VCF-style: chr7-2002085-G-A. GRCh37 (hg19) VCF-style: chr7-2041720-G-A.
Other names: c.1396C>T, p.Gln466Ter (NM_001013837.2, NM_001304523.2, NM_003550.3); c.1120C>T, p.Gln374Ter (NM_001304524.2); short protein forms Q374*, Q466*.
Identifiers: ClinVar variation 2576571 (VCV002576571.2), dbSNP rs776490151, ClinGen allele CA4123200.
Genomic context (GRCh38, chr7:2,002,085, plus strand): 5'-CAGGTGCCCTGAATCCCAGCCACTCCCGCGTCTGACTCACCATGTCTGCTCTTTGTTTCT[G>A]GCCTCCCAGCTCCTCCAGGGCCTGCGACAGCTGAGCCTGCAAGACAAGACAGGATTCGGC-3'